The following is an entry in ClinVar:

ClinVar aggregate classification (germline): Uncertain significance (1 of 4 stars; one submission).

Allele frequency attached by ClinVar (database versions not stated): TOPMed 0.00001; gnomAD exomes below 0.00001.
gnomAD v4.1: 4 of 1,613,144 alleles (0.00025%); highest among the groups gnomAD compares: African/African-American, 0.0027%; no homozygotes.

Submission:

Labcorp Genetics (formerly Invitae), Labcorp
Classification: Uncertain significance. Last evaluated: 2025-06-19. Review status: criteria provided, single submitter. Criteria: Invitae Variant Classification Sherloc (09022015). Collection method: clinical testing. Allele origin: germline.
Comment: This sequence change replaces tyrosine, which is neutral and polar, with cysteine, which is neutral and slightly polar, at codon 76 of the CLCN6 protein (p.Tyr76Cys). This variant is present in population databases (no rsID available, gnomAD 0.007%). This variant has not been reported in the literature in individuals affected with CLCN6-related conditions. ClinVar contains an entry for this variant (Variation ID: 2875467). An algorithm developed to predict the effect of missense changes on protein structure and function (PolyPhen-2) suggests that this variant is likely to be tolerated. In summary, the available evidence is currently insufficient to determine the role of this variant in disease. Therefore, it has been classified as a Variant of Uncertain Significance.

NM_001286.5(CLCN6):c.227A>G (p.Tyr76Cys)

Gene: CLCN6 (Cl-/H+ antiporter 6; plus strand). Cytogenetic location: 1p36.22.
Variant type: single nucleotide variant.
Coding change: c.227A>G on transcript NM_001286.5 (MANE Select); coding-DNA position 227, A replaced by G.
Protein change: p.Tyr76Cys; replaces tyrosine 76 with cysteine.
Molecular consequence: missense variant. On other transcripts: non-coding transcript variant (1).
Genome position (GRCh38, 1-based): chr1:11,816,628, A>G. VCF-style: chr1-11816628-A-G. GRCh37 (hg19) VCF-style: chr1-11876685-A-G.
Other names: c.161A>G, p.Tyr54Cys (NM_001256959.2); short protein forms Y54C, Y76C.
Identifiers: ClinVar variation 2875467 (VCV002875467.3), dbSNP rs1299044911, ClinGen allele CA338425709.